The following is an entry in ClinVar:

NM_006015.6(ARID1A):c.2T>C (p.Met1Thr)

Gene: ARID1A (AT-rich interaction domain 1A; plus strand). Cytogenetic location: 1p36.11.
Variant type: single nucleotide variant.
Coding change: c.2T>C on transcript NM_006015.6 (MANE Select); coding-DNA position 2, T replaced by C.
Protein change: p.Met1Thr; changes the start codon (methionine 1).
Molecular consequence: missense variant, initiator codon variant.
Genome position (GRCh38, 1-based): chr1:26,696,405, T>C. VCF-style: chr1-26696405-T-C. GRCh37 (hg19) VCF-style: chr1-27022896-T-C.
Other names: c.2T>C, p.Met1Thr (NM_139135.4); short protein forms M1T.
Identifiers: ClinVar variation 1199835 (VCV001199835.4), dbSNP rs2124739661, ClinGen allele CA339264177.

ClinVar aggregate classification (germline): Uncertain significance (1 of 4 stars; one submission).

Submission:

GeneDx
Classification: Uncertain significance. Last evaluated: 2020-08-07. Review status: criteria provided, single submitter. Criteria: GeneDx Variant Classification Process June 2021. Collection method: clinical testing. Allele origin: germline. Affected: yes.
Comment: Not observed in large population cohorts (Lek et al., 2016); Initiation codon variant with an unclear effect on protein function; Has not been previously published as pathogenic or benign to our knowledge